The following is an entry in ClinVar:

ClinVar aggregate classification (germline): Likely benign (1 of 4 stars; one submission).

Allele frequency attached by ClinVar (database versions not stated): gnomAD exomes 0.00002; gnomAD 0.00003; TOPMed 0.00005; ExAC 0.00008; ESP Exome Variant Server 0.00008.
gnomAD v4.1: 37 of 1,613,162 alleles (0.0023%); highest among the groups gnomAD compares: Middle Eastern, 0.033%; no homozygotes.

Submission:

CeGaT Center for Human Genetics Tuebingen
Classification: Likely benign. Last evaluated: 2026-09-01. Review status: criteria provided, single submitter. Criteria: CeGaT Center For Human Genetics Tuebingen Variant Classification Criteria Version 2. Collection method: clinical testing. Allele origin: germline. Affected: yes. Observed: 2 variant alleles.
Comment: HERC2: BP4, BP7

NM_004667.6(HERC2):c.12522C>T (p.Tyr4174=)

Gene: HERC2 (HECT and RLD domain containing E3 ubiquitin protein ligase 2; minus strand). Cytogenetic location: 15q13.1.
Variant type: single nucleotide variant.
Coding change: c.12522C>T on transcript NM_004667.6 (MANE Select); coding-DNA position 12522, C replaced by T.
Protein change: p.Tyr4174=; no amino-acid change (tyrosine 4174 retained).
Molecular consequence: synonymous variant.
Genome position (GRCh38, 1-based): chr15:28,132,148, G>A on the plus strand (C>T on the coding strand, the complement: HERC2 is on the minus strand). VCF-style: chr15-28132148-G-A. GRCh37 (hg19) VCF-style: chr15-28377294-G-A.
Identifiers: ClinVar variation 3026232 (VCV003026232.22), dbSNP rs138275754, ClinGen allele CA7440291.
Genomic context (GRCh38, chr15:28,132,148, plus strand): 5'-AATGGGAAATACCTTCATAGGCACTTTACAGCCATCGCTGCCTCCCCGGCCGAGCTTGCC[G>A]TAGTCCCCGTCCCCCCAGGACCAGACAGTGTCGTCATCTGTGAGGCAGAGGGTCTGGGCA-3'
Protein context (NP_004658.3, residues 4164-4184): DTVWSWGDGD[Tyr4174=]GKLGRGGSDG